The following is an entry in ClinVar:

ClinVar aggregate classification (germline): Likely benign (0 of 4 stars; one submission).

Conditions:
WDPCP-related disorder. Also called: WDPCP-related condition.

gnomAD v4.1: 6 of 1,614,068 alleles (0.00037%); highest among the groups gnomAD compares: Non-Finnish European, 0.00051%; no homozygotes.

Submission:

PreventionGenetics, part of Exact Sciences
Classification: Likely benign for WDPCP-related condition. Last evaluated: 2023-03-09. Review status: no assertion criteria provided. Collection method: clinical testing. Allele origin: germline.
Comment: This variant is classified as likely benign based on ACMG/AMP sequence variant interpretation guidelines (Richards et al. 2015 PMID: 25741868, with internal and published modifications).

NM_015910.7(WDPCP):c.903A>T (p.Thr301=)

Gene: WDPCP (WD repeat containing planar cell polarity effector; minus strand). Cytogenetic location: 2p15.
Variant type: single nucleotide variant.
Coding change: c.903A>T on transcript NM_015910.7 (MANE Select); coding-DNA position 903, A replaced by T.
Protein change: p.Thr301=; no amino-acid change (threonine 301 retained).
Molecular consequence: synonymous variant. On other transcripts: non-coding transcript variant (3).
Genome position (GRCh38, 1-based): chr2:63,404,580, T>A on the plus strand (A>T on the coding strand, the complement: WDPCP is on the minus strand). VCF-style: chr2-63404580-T-A. GRCh37 (hg19) VCF-style: chr2-63631715-T-A.
Other names: c.426A>T, p.Thr142= (NM_001042692.3); c.831A>T, p.Thr277= (NM_001354044.2); c.903A>T, p.Thr301= (NM_001354045.2).
Identifiers: ClinVar variation 3356692 (VCV003356692.1).